The following is an entry in ClinVar:

ClinVar aggregate classification (germline): Likely benign. Review status: criteria provided, single submitter (1 of 4 stars). 2 submissions from 2 submitters: Likely benign (1). 1 of the submissions does not count toward it. Last evaluated 2025-07-28.

Conditions:
COL18A1-related disorder. Also called: COL18A1-related disorders; COL18A1-related condition.

Allele frequency attached by ClinVar (database versions not stated): gnomAD exomes 0.00004; ExAC 0.00005; ESP Exome Variant Server 0.00008; gnomAD 0.00008 and 0.00009; TOPMed 0.00009.
gnomAD v4.1: 48 of 1,611,750 alleles (0.003%); highest among the groups gnomAD compares: African/African-American, 0.023%; no homozygotes.

Submissions (2):

Labcorp Genetics (formerly Invitae), Labcorp
Classification: Likely benign. Last evaluated: 2025-07-28. Review status: criteria provided, single submitter. Criteria: Invitae Variant Classification Sherloc (09022015). Collection method: clinical testing. Allele origin: germline.

PreventionGenetics, part of Exact Sciences
Classification: Likely benign for COL18A1-related condition. Last evaluated: 2023-01-19. Review status: no assertion criteria provided. Collection method: clinical testing. Allele origin: germline. Not counted in ClinVar's aggregate classification.
Comment: This variant is classified as likely benign based on ACMG/AMP sequence variant interpretation guidelines (Richards et al. 2015 PMID: 25741868, with internal and published modifications).

NM_001379500.1(COL18A1):c.1557C>T (p.Ala519=)

Gene: COL18A1 (collagen type XVIII alpha 1 chain; plus strand). Cytogenetic location: 21q22.3.
Variant type: single nucleotide variant.
Coding change: c.1557C>T on transcript NM_001379500.1 (MANE Select); coding-DNA position 1557, C replaced by T.
Protein change: p.Ala519=; no amino-acid change (alanine 519 retained).
Molecular consequence: synonymous variant.
Genome position (GRCh38, 1-based): chr21:45,480,804, C>T. VCF-style: chr21-45480804-C-T. GRCh37 (hg19) VCF-style: chr21-46900718-C-T.
Other names: c.2097C>T, p.Ala699= (NM_030582.4); c.2802C>T, p.Ala934= (NM_130444.3); c.2097C>T (NM_030582.3).
Identifiers: ClinVar variation 1603040 (VCV001603040.10), dbSNP rs372703675, ClinGen allele CA10066388.